The following is an entry in ClinVar:

ClinVar aggregate classification (germline): Uncertain significance (1 of 4 stars; one submission).

gnomAD v4.1: 2 of 1,613,972 alleles (0.00012%); highest among the groups gnomAD compares: African/African-American, 0.0027%; no homozygotes.

Submission:

Labcorp Genetics (formerly Invitae), Labcorp
Classification: Uncertain significance. Last evaluated: 2022-02-02. Review status: criteria provided, single submitter. Criteria: Invitae Variant Classification Sherloc (09022015). Collection method: clinical testing. Allele origin: germline.
Comment: In summary, the available evidence is currently insufficient to determine the role of this variant in disease. Therefore, it has been classified as a Variant of Uncertain Significance. Algorithms developed to predict the effect of missense changes on protein structure and function are either unavailable or do not agree on the potential impact of this missense change (SIFT: "Deleterious"; PolyPhen-2: "Benign"; Align-GVGD: "Class C0"). ClinVar contains an entry for this variant (Variation ID: 1020798). This variant has not been reported in the literature in individuals affected with ADAM9-related conditions. This variant is not present in population databases (gnomAD no frequency). This sequence change replaces isoleucine, which is neutral and non-polar, with methionine, which is neutral and non-polar, at codon 161 of the ADAM9 protein (p.Ile161Met).

NM_003816.3(ADAM9):c.483C>G (p.Ile161Met)

Gene: ADAM9 (ADAM metallopeptidase domain 9; plus strand). Cytogenetic location: 8p11.22.
Variant type: single nucleotide variant.
Coding change: c.483C>G on transcript NM_003816.3 (MANE Select); coding-DNA position 483, C replaced by G.
Protein change: p.Ile161Met; replaces isoleucine 161 with methionine.
Molecular consequence: missense variant. On other transcripts: non-coding transcript variant (3).
Genome position (GRCh38, 1-based): chr8:39,017,291, C>G. VCF-style: chr8-39017291-C-G. GRCh37 (hg19) VCF-style: chr8-38874810-C-G.
Other names: short protein forms I161M.
Identifiers: ClinVar variation 1020798 (VCV001020798.5), dbSNP rs767216866, ClinGen allele CA370753369.